The following is an entry in ClinVar:

NM_000535.7(PMS2):c.903+9A>C

Gene: PMS2 (PMS1 homolog 2, mismatch repair system component; minus strand). Cytogenetic location: 7p22.1.
Variant type: single nucleotide variant.
Coding change: c.903+9A>C on transcript NM_000535.7 (MANE Select); 9 bases into the intron after coding-DNA position 903, A replaced by C.
Molecular consequence: intron variant.
Genome position (GRCh38, 1-based): chr7:5,995,525, T>G on the plus strand (A>C on the coding strand, the complement: PMS2 is on the minus strand). VCF-style: chr7-5995525-T-G. GRCh37 (hg19) VCF-style: chr7-6035156-T-G.
Other names: c.585+9A>C (NM_001322008.2, NM_001322007.2); c.498+9A>C (NM_001322010.2, NM_001322004.2, NM_001322003.2 and 2 more transcripts); c.330+9A>C (NM_001322013.2); c.-31+9A>C (NM_001322012.2, NM_001322011.2); c.594+9A>C (NM_001322015.2); c.903+9A>C (NM_001322006.2, NM_001322014.2).
Identifiers: ClinVar variation 758713 (VCV000758713.11), dbSNP rs1583363044, ClinGen allele CA915944827.

ClinVar aggregate classification (germline): Likely benign. Review status: criteria provided, multiple submitters, no conflicts (2 of 4 stars). 2 submissions from 2 submitters: Likely benign (2). Last evaluated 2025-01-28.

Conditions:
Hereditary nonpolyposis colorectal neoplasms. Identifiers: MedGen C0009405, MeSH D003123.
Lynch syndrome 4 (LYNCH4). Also called: Hereditary non-polyposis colorectal cancer, type 4; Colorectal cancer, hereditary nonpolyposis, type 4. Identifiers: Orphanet 144, MedGen C1838333, MONDO:0013699, OMIM 614337. Disease mechanism: loss of function.

Allele frequency attached by ClinVar (database versions not stated): gnomAD exomes below 0.00001.
gnomAD v4.1: 2 of 1,602,796 alleles (0.00012%); highest among the groups gnomAD compares: Non-Finnish European, 0.00017%; no homozygotes.

Submissions (2):

Myriad Genetics, Inc.
Classification: Likely benign for Lynch syndrome 4. Last evaluated: 2025-01-28. Review status: criteria provided, single submitter. Criteria: Myriad Autosomal Dominant, Autosomal Recessive and X-Linked Classification Criteria (2023). Collection method: clinical testing. Allele origin: unknown.
Comment: This variant is considered likely benign. This variant is intronic and is not expected to impact mRNA splicing.

Labcorp Genetics (formerly Invitae), Labcorp
Classification: Likely benign for Hereditary nonpolyposis colorectal neoplasms. Last evaluated: 2023-08-24. Review status: criteria provided, single submitter. Criteria: Invitae Variant Classification Sherloc (09022015). Collection method: clinical testing. Allele origin: germline.